The following is an entry in ClinVar:

NM_000196.4(HSD11B2):c.945G>A (p.Met315Ile)

Gene: HSD11B2 (hydroxysteroid 11-beta dehydrogenase 2; plus strand). Cytogenetic location: 16q22.1.
Variant type: single nucleotide variant.
Coding change: c.945G>A on transcript NM_000196.4 (MANE Select); coding-DNA position 945, G replaced by A.
Protein change: p.Met315Ile; replaces methionine 315 with isoleucine.
Molecular consequence: missense variant.
Genome position (GRCh38, 1-based): chr16:67,436,730, G>A. VCF-style: chr16-67436730-G-A. GRCh37 (hg19) VCF-style: chr16-67470633-G-A.
Other names: short protein forms M315I.
Identifiers: ClinVar variation 2186323 (VCV002186323.3), dbSNP rs1432020173, ClinGen allele CA396282462.

ClinVar aggregate classification (germline): Uncertain significance (1 of 4 stars; one submission).

Allele frequency attached by ClinVar (database versions not stated): gnomAD exomes 0.00001; TOPMed 0.00002; gnomAD 0.00003.

Submission:

Labcorp Genetics (formerly Invitae), Labcorp
Classification: Uncertain significance. Last evaluated: 2022-05-27. Review status: criteria provided, single submitter. Criteria: Invitae Variant Classification Sherloc (09022015). Collection method: clinical testing. Allele origin: germline.
Comment: In summary, the available evidence is currently insufficient to determine the role of this variant in disease. Therefore, it has been classified as a Variant of Uncertain Significance. Algorithms developed to predict the effect of missense changes on protein structure and function (SIFT, PolyPhen-2, Align-GVGD) all suggest that this variant is likely to be tolerated. This variant has not been reported in the literature in individuals affected with HSD11B2-related conditions. This variant is present in population databases (no rsID available, gnomAD 0.01%). This sequence change replaces methionine, which is neutral and non-polar, with isoleucine, which is neutral and non-polar, at codon 315 of the HSD11B2 protein (p.Met315Ile).